The following is an entry in ClinVar:

ClinVar aggregate classification (germline): Uncertain significance. Review status: criteria provided, multiple submitters, no conflicts (2 of 4 stars). 4 submissions from 4 submitters: Uncertain significance (4). Last evaluated 2025-11-30.

Conditions:
Hereditary cancer-predisposing syndrome. Also called: Hereditary neoplastic syndrome; Neoplastic Syndromes, Hereditary; Tumor predisposition; Hereditary Cancer Syndrome. Identifiers: Orphanet 140162, MedGen C0027672, MeSH D009386, MONDO:0015356.
Hereditary breast ovarian cancer syndrome. Also called: Hereditary breast and ovarian cancer syndrome (HBOC); Breast and ovarian cancer; Hereditary breast and/or ovarian cancer syndrome; BRCA1- and BRCA2-Associated Hereditary Breast and Ovarian Cancer; Hereditary breast and ovarian cancer syndrome; Hereditary breast and ovarian cancer. Identifiers: Orphanet 145, MedGen C0677776, MeSH D061325, MONDO:0003582. Disease mechanism: loss of function.
Familial cancer of breast. Also called: BREAST CANCER, FAMILIAL; Hereditary breast cancer; hereditary breast carcinoma. Identifiers: Orphanet 227535, MedGen C0346153, MONDO:0016419, OMIM 114480. Disease mechanism: loss of function.

Allele frequency attached by ClinVar (database versions not stated): gnomAD exomes below 0.00001.
gnomAD v4.1: 1 of 1,613,972 alleles (0.000062%); highest among the groups gnomAD compares: Non-Finnish European, 0.000085%; no homozygotes.

Submissions (4):

Ambry Genetics
Classification: Uncertain significance for Hereditary cancer-predisposing syndrome. Last evaluated: 2025-11-30. Review status: criteria provided, single submitter. Criteria: Ambry Variant Classification Scheme 2023. Collection method: clinical testing. Allele origin: germline.
Comment: The p.Q2435R variant (also known as c.7304A>G), located in coding exon 13 of the BRCA2 gene, results from an A to G substitution at nucleotide position 7304. The glutamine at codon 2435 is replaced by arginine, an amino acid with highly similar properties. This amino acid position is not well conserved in available vertebrate species. In addition, this alteration is predicted to be tolerated by in silico analysis. Since supporting evidence is limited at this time, the clinical significance of this alteration remains unclear.

Color Diagnostics, LLC DBA Color Health
Classification: Uncertain significance for Hereditary cancer-predisposing syndrome. Last evaluated: 2024-09-05. Review status: criteria provided, single submitter. Criteria: ACMG Guidelines, 2015. Collection method: clinical testing. Allele origin: germline.
Comment: This missense variant replaces glutamine with arginine at codon 2435 of the BRCA2 protein. Computational prediction suggests that this variant may not impact protein structure and function. To our knowledge, functional studies have not been reported for this variant. A multifactorial analysis has reported a likelihood ratio for pathogenicity based on personal and family history of 1.365 from log(LR)=0.135106936 for one carrier (PMID: 31853058). This variant has not been identified in the general population by the Genome Aggregation Database (gnomAD). The available evidence is insufficient to determine the role of this variant in disease conclusively. Therefore, this variant is classified as a Variant of Uncertain Significance.

Baylor Genetics
Classification: Uncertain significance for Familial cancer of breast. Last evaluated: 2023-07-03. Review status: criteria provided, single submitter. Criteria: ACMG Guidelines, 2015. Collection method: clinical testing. Allele origin: unknown.

Labcorp Genetics (formerly Invitae), Labcorp
Classification: Uncertain significance for Hereditary breast ovarian cancer syndrome. Last evaluated: 2023-04-26. Review status: criteria provided, single submitter. Criteria: Invitae Variant Classification Sherloc (09022015). Collection method: clinical testing. Allele origin: germline.
Comment: This variant is not present in population databases (gnomAD no frequency). In summary, the available evidence is currently insufficient to determine the role of this variant in disease. Therefore, it has been classified as a Variant of Uncertain Significance. Advanced modeling of protein sequence and biophysical properties (such as structural, functional, and spatial information, amino acid conservation, physicochemical variation, residue mobility, and thermodynamic stability) performed at Invitae indicates that this missense variant is not expected to disrupt BRCA2 protein function. ClinVar contains an entry for this variant (Variation ID: 185663). This variant has not been reported in the literature in individuals affected with BRCA2-related conditions. This sequence change replaces glutamine, which is neutral and polar, with arginine, which is basic and polar, at codon 2435 of the BRCA2 protein (p.Gln2435Arg).

Literature cited by the submitters: PubMed 31853058 (cited by Color Diagnostics, LLC DBA Color Health).

NM_000059.4(BRCA2):c.7304A>G (p.Gln2435Arg)

Gene: BRCA2 (BRCA2 DNA repair associated; plus strand). Cytogenetic location: 13q13.1.
Variant type: single nucleotide variant.
Coding change: c.7304A>G on transcript NM_000059.4 (MANE Select); coding-DNA position 7304, A replaced by G.
Protein change: p.Gln2435Arg; replaces glutamine 2435 with arginine.
Molecular consequence: missense variant.
Genome position (GRCh38, 1-based): chr13:32,355,157, A>G. VCF-style: chr13-32355157-A-G. GRCh37 (hg19) VCF-style: chr13-32929294-A-G.
Other names: short protein forms Q2435R.
Identifiers: ClinVar variation 185663 (VCV000185663.21), dbSNP rs786202355, ClinGen allele CA025022.